The following is an entry in ClinVar:

ClinVar aggregate classification (germline): Uncertain significance. Review status: criteria provided, multiple submitters, no conflicts (2 of 4 stars). 2 submissions from 2 submitters: Uncertain significance (2). Last evaluated 2023-07-17.

Conditions:
Developmental delay with or without dysmorphic facies and autism. Identifiers: MedGen C5193106, MONDO:0032760, OMIM 618454.

Allele frequency attached by ClinVar (database versions not stated): gnomAD exomes below 0.00001 and 0.00001; ExAC 0.00001.
gnomAD v4.1: 3 of 1,614,098 alleles (0.00019%); highest among the groups gnomAD compares: South Asian, 0.0011%; no homozygotes.

Submissions (2):

Victorian Clinical Genetics Services, Murdoch Childrens Research Institute
Classification: Uncertain significance for Developmental delay with or without dysmorphic facies and autism. Last evaluated: 2023-07-17. Review status: criteria provided, single submitter. Criteria: ACMG Guidelines, 2015. Collection method: clinical testing. Allele origin: germline. Inheritance: Autosomal dominant inheritance. Affected: yes.
Comment: Based on the classification scheme VCGS_Germline_v1.3.4, this variant is classified as VUS-3B. Following criteria are met: 0102 - Loss of function is a likely mechanism of disease in this gene and is associated with developmental delay with or without dysmorphic facies and autism (MIM#618454). (I) 0107 - This gene is associated with autosomal dominant disease. (I) 0200 - Variant is predicted to result in a missense amino acid change from threonine to methionine. (I) 0251 - This variant is heterozygous. (I) 0302 - Variant is present in gnomAD (v2) <0.001 for a dominant condition (2 heterozygotes, 0 homozygotes). (SP) 0503 - Missense variant consistently predicted to be tolerated by multiple in silico tools or not conserved in placental mammals with a minor amino acid change. (SB) 0600 - Variant is located in the annotated Tra1 HEAT repeat ring region domain (DECIPHER). (I) 0705 - No comparable missense variants have previous evidence for pathogenicity. (I) 0809 - Previous evidence of pathogenicity for this variant is inconclusive. This variant has been classified as a VUS by a clinical laboratory in ClinVar. (I) 0905 - No published segregation evidence has been identified for this variant. (I) 1007 - No published functional evidence has been identified for this variant. (SP) Legend: (SP) - Supporting pathogenic, (I) - Information, (SB) - Supporting benign

CeGaT Center for Human Genetics Tuebingen
Classification: Uncertain significance. Last evaluated: 2019-10-01. Review status: criteria provided, single submitter. Criteria: CeGaT Center For Human Genetics Tuebingen Variant Classification Criteria Version 2. Collection method: clinical testing. Allele origin: germline. Affected: yes. Observed: 4 variant alleles.

NM_001375524.1(TRRAP):c.3626C>T (p.Thr1209Met)

Gene: TRRAP (transformation/transcription domain associated protein; plus strand). Cytogenetic location: 7q22.1.
Variant type: single nucleotide variant.
Coding change: c.3626C>T on transcript NM_001375524.1 (MANE Select); coding-DNA position 3626, C replaced by T.
Protein change: p.Thr1209Met; replaces threonine 1209 with methionine.
Molecular consequence: missense variant.
Genome position (GRCh38, 1-based): chr7:98,931,439, C>T. VCF-style: chr7-98931439-C-T. GRCh37 (hg19) VCF-style: chr7-98529062-C-T.
Other names: c.3626C>T (NM_001244580.1); c.3626C>T, p.Thr1209Met (NM_001244580.2, NM_003496.4); short protein forms T1209M.
Identifiers: ClinVar variation 872274 (VCV000872274.42), dbSNP rs782538944, ClinGen allele CA4360038.